The following is an entry in ClinVar:

NM_000038.6(APC):c.645+794G>T

Gene: APC (APC regulator of WNT signaling pathway; plus strand). Cytogenetic location: 5q22.2.
Variant type: single nucleotide variant.
Coding change: c.645+794G>T on transcript NM_000038.6 (MANE Select); 794 bases into the intron after coding-DNA position 645, G replaced by T.
Molecular consequence: intron variant.
Genome position (GRCh38, 1-based): chr5:112,781,697, G>T. VCF-style: chr5-112781697-G-T. GRCh37 (hg19) VCF-style: chr5-112117394-G-T.
Other names: c.645+794G>T (NM_001354895.2, NM_001127510.3, NM_001354896.2 and 2 more transcripts); c.675+794G>T (NM_001354897.2, NM_001354902.2, NM_001127511.3); c.570+794G>T (NM_001354898.2, NM_001354904.2); c.-391+794G>T (NM_001354906.2); c.468+794G>T (NM_001354900.2, NM_001354901.2, NM_001354905.2).
Identifiers: ClinVar variation 82944 (VCV000082944.2), dbSNP rs77931150, ClinGen allele CA011626.

ClinVar aggregate classification (germline): other (0 of 4 stars; one submission).

Conditions:
Familial colorectal cancer. Identifiers: MedGen CN280943, MONDO:0023113. Disease mechanism: loss of function.

Submission:

Systems Biology Platform Zhejiang California International NanoSystems Institute
Classification: other for Familial colorectal cancer. Review status: no assertion criteria provided. Collection method: not provided. Allele origin: unknown.
ClinVar note: Converted during submission from cancer to other.